The following is an entry in ClinVar:

NM_006218.4(PIK3CA):c.18A>G (p.Ser6=)

Gene: PIK3CA (phosphatidylinositol-4,5-bisphosphate 3-kinase catalytic subunit alpha; plus strand). Cytogenetic location: 3q26.32.
Variant type: single nucleotide variant.
Coding change: c.18A>G on transcript NM_006218.4 (MANE Select); coding-DNA position 18, A replaced by G.
Protein change: p.Ser6=; no amino-acid change (serine 6 retained).
Molecular consequence: synonymous variant.
Genome position (GRCh38, 1-based): chr3:179,198,843, A>G. VCF-style: chr3-179198843-A-G. GRCh37 (hg19) VCF-style: chr3-178916631-A-G.
Identifiers: ClinVar variation 3778546 (VCV003778546.7).
Genomic context (GRCh38, chr3:179,198,843, plus strand): 5'-CTTAAAGTAGTTTTATATGTAAAACTTGCAAAGAATCAGAACAATGCCTCCACGACCATC[A>G]TCAGGTGAACTGTGGGGCATCCACTTGATGCCCCCAAGAATCCTAGTAGAATGTTTACTA-3'
Protein context (NP_006209.2, residues 1-16): MPPRP[Ser6=]SGELWGIHLM

ClinVar aggregate classification (germline): Likely benign (1 of 4 stars; one submission).

Submission:

CeGaT Center for Human Genetics Tuebingen
Classification: Likely benign. Last evaluated: 2025-03-01. Review status: criteria provided, single submitter. Criteria: CeGaT Center For Human Genetics Tuebingen Variant Classification Criteria Version 2. Collection method: clinical testing. Allele origin: germline. Affected: yes. Observed: 1 variant allele.
Comment: PIK3CA: PM2:Supporting, BP4, BP7